The following is an entry in ClinVar:

NM_001382.4(DPAGT1):c.463T>G (p.Phe155Val)

Gene: DPAGT1 (dolichyl-phosphate N-acetylglucosaminephosphotransferase 1; minus strand). Cytogenetic location: 11q23.3.
Variant type: single nucleotide variant.
Coding change: c.463T>G on transcript NM_001382.4 (MANE Select); coding-DNA position 463, T replaced by G.
Protein change: p.Phe155Val; replaces phenylalanine 155 with valine.
Molecular consequence: missense variant.
Genome position (GRCh38, 1-based): chr11:119,100,663, A>C on the plus strand (T>G on the coding strand, the complement: DPAGT1 is on the minus strand). VCF-style: chr11-119100663-A-C. GRCh37 (hg19) VCF-style: chr11-118971373-A-C.
Other names: short protein forms F155V.
Identifiers: ClinVar variation 1000269 (VCV001000269.6), dbSNP rs766131005, ClinGen allele CA229604967.

ClinVar aggregate classification (germline): Uncertain significance (1 of 4 stars; one submission).

Conditions:
DPAGT1-congenital disorder of glycosylation. Also called: CONGENITAL DISORDER OF GLYCOSYLATION, TYPE Ij; CDG Ij; DPAGT1-CDG. Identifiers: Orphanet 86309, MedGen C2931004, MONDO:0011964, OMIM 608093.
Congenital myasthenic syndrome 13 (CMS13). Also called: Myasthenic syndrome, congenital, 13, with tubular aggregates; Myasthenic syndrome, congenital, with tubular aggregates 2. Identifiers: Orphanet 353327, Orphanet 590, MedGen C3553645, MONDO:0013883, OMIM 614750.

Allele frequency attached by ClinVar (database versions not stated): gnomAD exomes below 0.00001.
gnomAD v4.1: 12 of 1,614,132 alleles (0.00074%); highest among the groups gnomAD compares: Non-Finnish European, 0.001%; no homozygotes.

Submission:

Labcorp Genetics (formerly Invitae), Labcorp
Classification: Uncertain significance for Congenital myasthenic syndrome 13; DPAGT1-congenital disorder of glycosylation. Last evaluated: 2021-09-01. Review status: criteria provided, single submitter. Criteria: Invitae Variant Classification Sherloc (09022015). Collection method: clinical testing. Allele origin: germline.
Comment: This sequence change replaces phenylalanine with valine at codon 155 of the DPAGT1 protein (p.Phe155Val). The phenylalanine residue is moderately conserved and there is a small physicochemical difference between phenylalanine and valine. This variant is not present in population databases (ExAC no frequency). This variant has not been reported in the literature in individuals affected with DPAGT1-related conditions. Algorithms developed to predict the effect of missense changes on protein structure and function (SIFT, PolyPhen-2, Align-GVGD) all suggest that this variant is likely to be tolerated. In summary, the available evidence is currently insufficient to determine the role of this variant in disease. Therefore, it has been classified as a Variant of Uncertain Significance.